The following is an entry in ClinVar:

ClinVar aggregate classification (germline): Benign/Likely benign. Review status: criteria provided, multiple submitters, no conflicts (2 of 4 stars). 22 submissions from 22 submitters: Benign (14); Likely benign (1). 7 of the submissions do not count toward it. Last evaluated 2026-02-04.

Conditions:
Hereditary cancer-predisposing syndrome. Also called: Tumor predisposition; Neoplastic Syndromes, Hereditary; Hereditary neoplastic syndrome; Hereditary Cancer Syndrome. Identifiers: Orphanet 140162, MedGen C0027672, MeSH D009386, MONDO:0015356.
Bloom syndrome (BLM). Also called: Bloom-Torre-Machacek syndrome. Identifiers: Orphanet 125, MedGen C0005859, MONDO:0008876, OMIM 210900.

Allele frequency attached by ClinVar (database versions not stated): 1000 Genomes Project 0.05132; 1000 Genomes Project 30x 0.05044; TOPMed 0.06105; ESP Exome Variant Server 0.06804; gnomAD 0.06567 and 0.06742.
gnomAD v4.1: 106,543 of 1,612,548 alleles (6.6%); highest among the groups gnomAD compares: Non-Finnish European, 7.1%; 3,984 homozygotes.

Submissions (22):

Labcorp Genetics (formerly Invitae), Labcorp
Classification: Benign for Bloom syndrome. Last evaluated: 2026-02-04. Review status: criteria provided, single submitter. Criteria: Invitae Variant Classification Sherloc (09022015). Collection method: clinical testing. Allele origin: germline.

Institute for Biomarker Research, Medical Diagnostic Laboratories, L.L.C.
Classification: Benign for Hereditary cancer-predisposing syndrome. Last evaluated: 2025-08-04. Review status: criteria provided, single submitter. Criteria: ACMG Guidelines, 2015. Collection method: clinical testing. Allele origin: germline.
Comment: The missense variant NM_000057.4(BLM):c.2603C>T (p.Pro868Leu) has been reported to ClinVar as Benign with a status of (2 stars) criteria provided, multiple submitters, no conflicts (Variation ID 92393 as of 2025-07-03). There is a moderate physicochemical difference between proline and leucine. The gene BLM has a low rate of benign missense variation as indicated by a high missense variants Z-Score of 1.95. The nucleotide c.2603 in BLM is predicted conserved by GERP++ and PhyloP across 100 vertebrates. For these reasons, this variant has been classified as Benign.

ARUP Laboratories, Molecular Genetics and Genomics, ARUP Laboratories
Classification: Benign for Bloom syndrome. Last evaluated: 2025-07-21. Review status: criteria provided, single submitter. Criteria: ARUP Molecular Germline Variant Investigation Process 2024. Collection method: clinical testing. Allele origin: germline.

GeneKor MSA
Classification: Benign for Hereditary cancer-predisposing syndrome. Last evaluated: 2025-07-10. Review status: criteria provided, single submitter. Criteria: ACMG Guidelines, 2015. Collection method: clinical testing. Allele origin: germline.

Blueprint Genetics
Classification: Likely benign. Last evaluated: 2024-11-27. Review status: criteria provided, single submitter. Criteria: ACMG Guidelines, 2015. Collection method: clinical testing. Allele origin: germline.

KCCC/NGS Laboratory, Kuwait Cancer Control Center
Classification: Benign for Bloom syndrome. Last evaluated: 2023-07-07. Review status: criteria provided, single submitter. Criteria: ACMG Guidelines, 2015. Collection method: clinical testing. Allele origin: germline. Affected: yes.

Mayo Clinic Laboratories, Mayo Clinic
Classification: Benign. Last evaluated: 2022-12-08. Review status: criteria provided, single submitter. Criteria: ACMG Guidelines, 2015. Collection method: clinical testing. Allele origin: germline. Observed: 27 variant alleles.

Genome-Nilou Lab
Classification: Benign for Bloom syndrome. Last evaluated: 2021-05-18. Review status: criteria provided, single submitter. Criteria: ACMG Guidelines, 2015. Collection method: clinical testing. Allele origin: germline. Affected: no.

Illumina Laboratory Services, Illumina
Classification: Benign for Bloom syndrome. Last evaluated: 2018-03-06. Review status: criteria provided, single submitter. Criteria: ICSL Variant Classification Criteria 13 December 2019. Collection method: clinical testing. Allele origin: germline.
Comment: This variant was observed in the ICSL laboratory as part of a predisposition screen in an ostensibly healthy population. It had not been previously curated by ICSL or reported in the Human Gene Mutation Database (HGMD: prior to June 1st, 2018), and was therefore a candidate for classification through an automated scoring system. Utilizing variant allele frequency, disease prevalence and penetrance estimates, and inheritance mode, an automated score was calculated to assess if this variant is too frequent to cause the disease. Based on the score and internal cut-off values, a variant classified as benign is not then subjected to further curation. The score for this variant resulted in a classification of benign for this disease.

Women's Health and Genetics/Laboratory Corporation of America, LabCorp
Classification: Benign. Last evaluated: 2016-08-31. Review status: criteria provided, single submitter. Criteria: LabCorp Variant Classification Summary - May 2015. Collection method: clinical testing. Allele origin: germline.
Comment: Variant summary: The BLM c.2603C>T (p.Pro868Leu) variant involves the alteration of a conserved nucleotide. 2/2 in silico tools predict a damaging outcome for this variant. This variant was found in 6732/120402 control chromosomes (223 homozygotes) at a frequency of 0.0559127, which is approximately 16 times the estimated maximal expected allele frequency of a pathogenic BLM variant (0.0035355), suggesting this variant is likely a benign polymorphism. Functional studies suggest partial loss of funciton (Mirzaei_2012, Shastri_2015), however the prevalence in the general population as well as numerous homozygous occurrences indicate this variant is insufficient for full-scale Bloom syndrome. In addition, multiple clinical diagnostic laboratories/reputable databases classified this variant as benign/likely benign. Taken together, this variant is classified as benign.

Ambry Genetics
Classification: Benign for Hereditary cancer-predisposing syndrome. Last evaluated: 2016-08-12. Review status: criteria provided, single submitter. Criteria: Ambry Variant Classification Scheme 2023. Collection method: clinical testing. Allele origin: germline.

GeneDx
Classification: Benign. Last evaluated: 2015-03-03. Review status: criteria provided, single submitter. Criteria: GeneDx Variant Classification Process June 2021. Collection method: clinical testing. Allele origin: germline. Affected: yes.
Comment: This variant is associated with the following publications: (PMID: 29484706, 24728327, 24816114, 26788541, 27153395, 19945966, 23129629)

Eurofins Ntd Llc (ga)
Classification: Benign. Last evaluated: 2013-03-01. Review status: criteria provided, single submitter. Criteria: EGL Classification Definitions 2015. Collection method: clinical testing. Allele origin: germline. Observed: 1 variant allele, 1 heterozygote.

Breakthrough Genomics
Classification: Benign. Review status: criteria provided, single submitter. Criteria: ACMG Guidelines, 2015. Collection method: not provided. Allele origin: germline. Inheritance: Autosomal recessive inheritance. Affected: yes.

PreventionGenetics, part of Exact Sciences
Classification: Benign. Review status: criteria provided, single submitter. Criteria: ACMG Guidelines, 2015. Collection method: clinical testing. Allele origin: germline.

Natera, Inc.
Classification: Benign for Bloom syndrome. Last evaluated: 2019-05-20. Review status: no assertion criteria provided. Collection method: clinical testing. Allele origin: germline. Not counted in ClinVar's aggregate classification.

Pathway Genomics
Classification: Likely benign for Bloom syndrome. Last evaluated: 2014-07-24. Review status: no assertion criteria provided. Collection method: clinical testing. Allele origin: germline. Not counted in ClinVar's aggregate classification.

ITMI
No classification provided. Condition: AllHighlyPenetrant. Last evaluated: 2013-09-19. Review status: no classification provided. Collection method: reference population. Allele origin: germline. Not counted in ClinVar's aggregate classification.
Comment: Please see associated publication for description of ethnicities

Diagnostic Laboratory, Department of Genetics, University Medical Center Groningen
Classification: Benign for Bloom syndrome. Review status: no assertion criteria provided. Collection method: clinical testing. Allele origin: germline. Affected: yes. Study: VKGL Data-share Consensus. Not counted in ClinVar's aggregate classification.

Genetic Services Laboratory, University of Chicago
Classification: Likely benign for AllHighlyPenetrant. Review status: no assertion criteria provided. Collection method: clinical testing. Allele origin: germline. Inheritance: Autosomal recessive inheritance. Not counted in ClinVar's aggregate classification.
Comment: Likely benign based on allele frequency in 1000 Genomes Project or ESP global frequency and its presence in a patient with a rare or unrelated disease phenotype. NOT Sanger confirmed.

Genome Diagnostics Laboratory, University Medical Center Utrecht
Classification: Likely benign. Review status: no assertion criteria provided. Collection method: clinical testing. Allele origin: germline. Affected: yes. Study: VKGL Data-share Consensus. Not counted in ClinVar's aggregate classification.

Joint Genome Diagnostic Labs from Nijmegen and Maastricht, Radboudumc and MUMC+
Classification: Benign. Review status: no assertion criteria provided. Collection method: clinical testing. Allele origin: germline. Affected: yes. Study: VKGL Data-share Consensus. Not counted in ClinVar's aggregate classification.

Literature cited by the submitters: PubMed 26788541 (cited by Women's Health and Genetics/Laboratory Corporation of America, LabCorp); PubMed 23129629 (cited by Women's Health and Genetics/Laboratory Corporation of America, LabCorp); PubMed 24728327 (cited by ITMI).

NM_000057.4(BLM):c.2603C>T (p.Pro868Leu)

Gene: BLM (BLM RecQ like helicase; plus strand). Cytogenetic location: 15q26.1.
Variant type: single nucleotide variant.
Coding change: c.2603C>T on transcript NM_000057.4 (MANE Select); coding-DNA position 2603, C replaced by T.
Protein change: p.Pro868Leu; replaces proline 868 with leucine.
Molecular consequence: missense variant.
Genome position (GRCh38, 1-based): chr15:90,782,869, C>T. VCF-style: chr15-90782869-C-T. GRCh37 (hg19) VCF-style: chr15-91326099-C-T.
Other names: c.2603C>T, p.Pro868Leu (NM_001287246.2, NM_001287247.2, LRG_20t1); c.1478C>T, p.Pro493Leu (NM_001287248.2); short protein forms P868L, P493L.
Identifiers: ClinVar variation 92393 (VCV000092393.45), dbSNP rs2227935, ClinGen allele CA090891.
Genomic context (GRCh38, chr15:90,782,869, plus strand): 5'-GGGACTTTTTTAGGTTTAGCATGAGCTTTAACAGACATAATCTGAAATACTATGTATTAC[C>T]GAAAAAGCCTAAAAAGGTGGCATTTGATTGCCTAGAATGGATCAGAAAGCACCACCCATG-3'
Protein context (NP_000048.1, residues 858-878): NRHNLKYYVL[Pro868Leu]KKPKKVAFDC